The following is an entry in ClinVar:

NM_006642.5(SDCCAG8):c.1247C>T (p.Ala416Val)

Gene: SDCCAG8 (SHH signaling and ciliogenesis regulator SDCCAG8; plus strand). Cytogenetic location: 1q43.
Variant type: single nucleotide variant.
Coding change: c.1247C>T on transcript NM_006642.5 (MANE Select); coding-DNA position 1247, C replaced by T.
Protein change: p.Ala416Val; replaces alanine 416 with valine.
Molecular consequence: missense variant.
Genome position (GRCh38, 1-based): chr1:243,341,064, C>T. VCF-style: chr1-243341064-C-T. GRCh37 (hg19) VCF-style: chr1-243504366-C-T.
Other names: c.344C>T, p.Ala115Val (NM_001350246.2, NM_001350247.2, NM_001350251.2); c.1343C>T, p.Ala448Val (NM_001350248.2); c.953C>T, p.Ala318Val (NM_001350249.2); short protein forms A318V, A448V, A115V, A416V.
Identifiers: ClinVar variation 861284 (VCV000861284.9), dbSNP rs1345199314, ClinGen allele CA345474476.

ClinVar aggregate classification (germline): Uncertain significance (1 of 4 stars; one submission).

Conditions:
Senior-Loken syndrome 7 (SLSN7). Identifiers: Orphanet 3156, MedGen C3150877, MONDO:0013326, OMIM 613615.
Bardet-Biedl syndrome 16 (BBS16). Identifiers: Orphanet 110, MedGen C3889474, MONDO:0014444, OMIM 615993.

Allele frequency attached by ClinVar (database versions not stated): gnomAD exomes below 0.00001; gnomAD 0.00001.

Submission:

Labcorp Genetics (formerly Invitae), Labcorp
Classification: Uncertain significance for Bardet-Biedl syndrome 16; Senior-Loken syndrome 7. Last evaluated: 2023-12-18. Review status: criteria provided, single submitter. Criteria: Invitae Variant Classification Sherloc (09022015). Collection method: clinical testing. Allele origin: germline.
Comment: This sequence change replaces alanine, which is neutral and non-polar, with valine, which is neutral and non-polar, at codon 416 of the SDCCAG8 protein (p.Ala416Val). The frequency data for this variant in the population databases is considered unreliable, as metrics indicate poor data quality at this position in the gnomAD database. This variant has not been reported in the literature in individuals affected with SDCCAG8-related conditions. ClinVar contains an entry for this variant (Variation ID: 861284). Advanced modeling of protein sequence and biophysical properties (such as structural, functional, and spatial information, amino acid conservation, physicochemical variation, residue mobility, and thermodynamic stability) performed at Invitae indicates that this missense variant is not expected to disrupt SDCCAG8 protein function with a negative predictive value of 80%. In summary, the available evidence is currently insufficient to determine the role of this variant in disease. Therefore, it has been classified as a Variant of Uncertain Significance.